The following is an entry in ClinVar:

ClinVar aggregate classification (germline): Conflicting classifications of pathogenicity. Review status: criteria provided, conflicting classifications (1 of 4 stars). 4 submissions from 4 submitters: Uncertain significance (3); Benign (1). Last evaluated 2026-02-20.

Conditions:
Dyskeratosis congenita. Identifiers: Orphanet 1775, MedGen C0265965, MONDO:0015780.
Dyskeratosis congenita, autosomal dominant 2. Identifiers: MedGen C3151443, MONDO:0013521, OMIM 613989.
Idiopathic Pulmonary Fibrosis. Also called: Idiopathic fibrosing alveolitis, chronic form; idiopathic fibrosing alveolitis. Identifiers: Orphanet 2032, MedGen C1800706, MeSH D054990, MONDO:0800504.
TERT-related disorder. Also called: TERT-related disorders; TERT-related condition.

Allele frequency attached by ClinVar (database versions not stated): gnomAD exomes 0.00002 and 0.00003; ExAC 0.00003; gnomAD 0.00005 and 0.00006; TOPMed 0.00007; ESP Exome Variant Server 0.00016.
gnomAD v4.1: 29 of 1,581,062 alleles (0.0018%); highest among the groups gnomAD compares: African/African-American, 0.019%; no homozygotes.

Submissions (4):

St. Jude Molecular Pathology, St. Jude Children's Research Hospital
Classification: Uncertain significance for Dyskeratosis congenita, autosomal dominant 2. Last evaluated: 2026-02-20. Review status: criteria provided, single submitter. Criteria: St. Jude Assertion Criteria 2020. Collection method: clinical testing. Allele origin: germline.
Comment: The TERT c.737C>T p.(Pro246Leu) missense change has a maximum subpopulation frequency of 0.026% in gnomAD v2.1.1. The in silico tool REVEL predicts a benign effect on protein function, but to our knowledge this prediction has not been confirmed by functional studies. To our knowledge, this variant has not been reported in individuals with dyskeratosis congenita. In summary, the evidence currently available is insufficient to determine the role o f this variant in dyskeratosis congenita. It has therefore been classified as of uncertain significance.

Labcorp Genetics (formerly Invitae), Labcorp
Classification: Benign for Dyskeratosis congenita, autosomal dominant 2; Idiopathic Pulmonary Fibrosis. Last evaluated: 2026-01-24. Review status: criteria provided, single submitter. Criteria: Invitae Variant Classification Sherloc (09022015). Collection method: clinical testing. Allele origin: germline.

PreventionGenetics, part of Exact Sciences
Classification: Uncertain significance for TERT-related condition. Last evaluated: 2025-08-01. Review status: criteria provided, single submitter. Criteria: ACMG Guidelines, 2015. Collection method: clinical testing. Allele origin: germline.
Comment: The TERT c.737C>T variant is predicted to result in the amino acid substitution p.Pro246Leu. To our knowledge, this variant has not been reported in the literature. This variant is reported in 0.026% of alleles in individuals of African descent in gnomAD and has conflicting interpretations in ClinVar, ranging from uncertain to likely benign (Variation ID: 660036). At this time, the clinical significance of this variant is uncertain due to the absence of conclusive functional and genetic evidence.

Ambry Genetics
Classification: Uncertain significance for Dyskeratosis congenita. Last evaluated: 2024-12-07. Review status: criteria provided, single submitter. Criteria: Ambry Variant Classification Scheme 2023. Collection method: clinical testing. Allele origin: germline.
Comment: The p.P246L variant (also known as c.737C>T), located in coding exon 2 of the TERT gene, results from a C to T substitution at nucleotide position 737. The proline at codon 246 is replaced by leucine, an amino acid with similar properties. This amino acid position is conserved. In addition, this alteration is predicted to be tolerated by in silico analysis. Since supporting evidence is limited at this time, the clinical significance of this alteration remains unclear.

NM_198253.3(TERT):c.737C>T (p.Pro246Leu)

Gene: TERT (telomerase reverse transcriptase; minus strand). Cytogenetic location: 5p15.33.
Variant type: single nucleotide variant.
Coding change: c.737C>T on transcript NM_198253.3 (MANE Select); coding-DNA position 737, C replaced by T.
Protein change: p.Pro246Leu; replaces proline 246 with leucine.
Molecular consequence: missense variant. On other transcripts: non-coding transcript variant (2).
Genome position (GRCh38, 1-based): chr5:1,294,149, G>A on the plus strand (C>T on the coding strand, the complement: TERT is on the minus strand). VCF-style: chr5-1294149-G-A. GRCh37 (hg19) VCF-style: chr5-1294264-G-A.
Other names: c.737C>T, p.Pro246Leu (NM_001193376.3); short protein forms P246L.
Identifiers: ClinVar variation 660036 (VCV000660036.16), dbSNP rs377315722, ClinGen allele CA3184923.